The following is an entry in ClinVar:

NM_024675.4(PALB2):c.208T>G (p.Ser70Ala)

Gene: PALB2 (partner and localizer of BRCA2; minus strand). Cytogenetic location: 16p12.2.
Variant type: single nucleotide variant.
Coding change: c.208T>G on transcript NM_024675.4 (MANE Select); coding-DNA position 208, T replaced by G.
Protein change: p.Ser70Ala; replaces serine 70 with alanine.
Molecular consequence: missense variant. On other transcripts: intron variant (3), 5 prime UTR variant (8).
Genome position (GRCh38, 1-based): chr16:23,637,853, A>C on the plus strand (T>G on the coding strand, the complement: PALB2 is on the minus strand). VCF-style: chr16-23637853-A-C. GRCh37 (hg19) VCF-style: chr16-23649174-A-C.
Other names: c.148T>G, p.Ser50Ala (NM_001407296.1); c.208T>G, p.Ser70Ala (NM_001407297.1, NM_001407298.1, NM_001407299.1 and 3 more transcripts); c.48+3257T>G (NM_001407314.1); c.-105+3257T>G (NM_001407313.1, NM_001407312.1); c.-678T>G (NM_001407304.1, NM_001407305.1, NM_001407306.1 and 5 more transcripts); short protein forms S70A, S50A.
Identifiers: ClinVar variation 3666202 (VCV003666202.3).

ClinVar aggregate classification (germline): Uncertain significance. Review status: criteria provided, multiple submitters, no conflicts (2 of 4 stars). 2 submissions from 2 submitters: Uncertain significance (2). Last evaluated 2024-12-29.

Conditions:
Breast-ovarian cancer, familial, susceptibility to, 5 (BROVCA5). Identifiers: MedGen C5830615, MONDO:0957530, OMIM 620442.
Pancreatic cancer, susceptibility to, 3. Identifiers: Orphanet 1333, MedGen C3150547, MONDO:0013236, OMIM 613348.
Fanconi anemia complementation group N. Also called: PALB2-Related Fanconi Anemia. Identifiers: Orphanet 84, MedGen C1835817, MONDO:0012565, OMIM 610832. Disease mechanism: loss of function.
Familial cancer of breast. Also called: BREAST CANCER, FAMILIAL; Hereditary breast cancer; hereditary breast carcinoma. Identifiers: Orphanet 227535, MedGen C0346153, MONDO:0016419, OMIM 114480. Disease mechanism: loss of function.

gnomAD v4.1: 2 of 1,607,730 alleles (0.00012%); no homozygotes.

Submissions (2):

Labcorp Genetics (formerly Invitae), Labcorp
Classification: Uncertain significance for Familial cancer of breast. Last evaluated: 2024-12-29. Review status: criteria provided, single submitter. Criteria: Invitae Variant Classification Sherloc (09022015). Collection method: clinical testing. Allele origin: germline.
Comment: This sequence change replaces serine, which is neutral and polar, with alanine, which is neutral and non-polar, at codon 70 of the PALB2 protein (p.Ser70Ala). This variant is not present in population databases (gnomAD no frequency). This variant has not been reported in the literature in individuals affected with PALB2-related conditions. An algorithm developed to predict the effect of missense changes on protein structure and function (PolyPhen-2) suggests that this variant is likely to be tolerated. In summary, the available evidence is currently insufficient to determine the role of this variant in disease. Therefore, it has been classified as a Variant of Uncertain Significance.

Department of Pathology and Laboratory Medicine, Sinai Health System
Classification: Uncertain significance for Fanconi anemia complementation group N; Pancreatic cancer, susceptibility to, 3; Breast-ovarian cancer, familial, susceptibility to, 5. Last evaluated: 2019-11-18. Review status: criteria provided, single submitter. Criteria: ACMG Guidelines, 2015. Collection method: clinical testing. Allele origin: germline. Affected: yes.